The following is an entry in ClinVar:

NM_000541.5(SAG):c.327G>A (p.Glu109=)

Gene: SAG (S-antigen visual arrestin; plus strand). Cytogenetic location: 2q37.1.
Variant type: single nucleotide variant.
Coding change: c.327G>A on transcript NM_000541.5 (MANE Select); coding-DNA position 327, G replaced by A.
Protein change: p.Glu109=; no amino-acid change (glutamic acid 109 retained).
Molecular consequence: synonymous variant.
Genome position (GRCh38, 1-based): chr2:233,320,775, G>A. VCF-style: chr2-233320775-G-A. GRCh37 (hg19) VCF-style: chr2-234229421-G-A.
Other names: c.327G>A (NM_000541.4).
Identifiers: ClinVar variation 1081551 (VCV001081551.11), dbSNP rs145199285, ClinGen allele CA2174335.

ClinVar aggregate classification (germline): Likely benign. Review status: criteria provided, multiple submitters, no conflicts (2 of 4 stars). 3 submissions from 3 submitters: Likely benign (3). Last evaluated 2026-01-01.

Conditions:
SAG-related disorder. Also called: SAG-related disorders; SAG-related condition.

Allele frequency attached by ClinVar (database versions not stated): 1000 Genomes Project 0.00020; ESP Exome Variant Server 0.00025; 1000 Genomes Project 30x 0.00031.
gnomAD v4.1: 25 of 1,606,482 alleles (0.0016%); highest among the groups gnomAD compares: African/African-American, 0.029%; no homozygotes.

Submissions (3):

Labcorp Genetics (formerly Invitae), Labcorp
Classification: Likely benign. Last evaluated: 2026-01-01. Review status: criteria provided, single submitter. Criteria: Invitae Variant Classification Sherloc (09022015). Collection method: clinical testing. Allele origin: germline.

PreventionGenetics, part of Exact Sciences
Classification: Likely benign for SAG-related condition. Last evaluated: 2024-10-16. Review status: criteria provided, single submitter. Criteria: ACMG Guidelines, 2015. Collection method: clinical testing. Allele origin: germline.
Comment: This variant is classified as likely benign based on ACMG/AMP sequence variant interpretation guidelines (Richards et al. 2015 PMID: 25741868, with internal and published modifications).

Blueprint Genetics
Classification: Likely benign. Last evaluated: 2024-07-30. Review status: criteria provided, single submitter. Criteria: ACMG Guidelines, 2015. Collection method: clinical testing. Allele origin: germline.